The following is an entry in ClinVar:

NM_012330.4(KAT6B):c.1228A>G (p.Thr410Ala)

Gene: KAT6B (lysine acetyltransferase 6B; plus strand). Cytogenetic location: 10q22.2.
Variant type: single nucleotide variant.
Coding change: c.1228A>G on transcript NM_012330.4 (MANE Select); coding-DNA position 1228, A replaced by G.
Protein change: p.Thr410Ala; replaces threonine 410 with alanine.
Molecular consequence: missense variant. On other transcripts: intron variant (11).
Genome position (GRCh38, 1-based): chr10:74,975,565, A>G. VCF-style: chr10-74975565-A-G. GRCh37 (hg19) VCF-style: chr10-76735323-A-G.
Other names: c.1117+111A>G (NM_001370140.1, NM_001370141.1, NM_001256469.2 and 3 more transcripts); c.846+5790A>G (NM_001370133.1); c.193-3659A>G (NM_001370134.1); c.929-1751A>G (NM_001370143.1, NM_001370144.1); c.193-13454A>G (NM_001370135.1); c.1228A>G, p.Thr410Ala (NM_001256468.2, NM_001370136.1, NM_001370137.1 and 1 more transcripts); short protein forms T410A.
Identifiers: ClinVar variation 1947783 (VCV001947783.5), dbSNP rs1363245674, ClinGen allele CA377285384.

ClinVar aggregate classification (germline): Uncertain significance (1 of 4 stars; one submission).

Conditions:
Genitopatellar syndrome (GTPTS). Also called: ABSENT PATELLAE, SCROTAL HYPOPLASIA, RENAL ANOMALIES, FACIAL DYSMORPHISM, AND MENTAL RETARDATION; Genitopatellar syndrome (GPS). Identifiers: Orphanet 85201, MedGen C1853566, MONDO:0011640, OMIM 606170.

Allele frequency attached by ClinVar (database versions not stated): TOPMed below 0.00001; gnomAD 0.00001.
gnomAD v4.1: 1 of 1,613,934 alleles (0.000062%); highest among the groups gnomAD compares: East Asian, 0.0022%; no homozygotes.

Submission:

Labcorp Genetics (formerly Invitae), Labcorp
Classification: Uncertain significance for Genitopatellar syndrome. Last evaluated: 2022-05-25. Review status: criteria provided, single submitter. Criteria: Invitae Variant Classification Sherloc (09022015). Collection method: clinical testing. Allele origin: germline.
Comment: In summary, the available evidence is currently insufficient to determine the role of this variant in disease. Therefore, it has been classified as a Variant of Uncertain Significance. Algorithms developed to predict the effect of missense changes on protein structure and function (SIFT, PolyPhen-2, Align-GVGD) all suggest that this variant is likely to be tolerated. This variant has not been reported in the literature in individuals affected with KAT6B-related conditions. This variant is not present in population databases (gnomAD no frequency). This sequence change replaces threonine, which is neutral and polar, with alanine, which is neutral and non-polar, at codon 410 of the KAT6B protein (p.Thr410Ala).